The following is an entry in ClinVar:

ClinVar aggregate classification (germline): Uncertain significance. Review status: criteria provided, multiple submitters, no conflicts (2 of 4 stars). 2 submissions from 2 submitters: Uncertain significance (2). Last evaluated 2024-07-01.

Conditions:
H syndrome. Also called: Asrar Facharzt Haque syndrome; Histiocytosis with joint contractures and sensorineural deafness; HISTIOCYTOSIS AND LYMPHADENOPATHY WITH OR WITHOUT CUTANEOUS, CARDIAC, AND/OR ENDOCRINE FEATURES, JOINT CONTRACTURES, AND/OR DEAFNESS; HYPERPIGMENTATION, CUTANEOUS, WITH HYPERTRICHOSIS, HEPATOSPLENOMEGALY, HEART ANOMALIES, AND HYPOGONADISM WITH OR WITHOUT HEARING LOSS; PIGMENTED HYPERTRICHOSIS WITH INSULIN-DEPENDENT DIABETES MELLITUS; ROSAI-DORFMAN DISEASE, FAMILIAL. Identifiers: Orphanet 168569, MedGen C1864445, MONDO:0011273, OMIM 602782.

Allele frequency attached by ClinVar (database versions not stated): ExAC 0.00004; gnomAD exomes 0.00004 and 0.00017; ESP Exome Variant Server 0.00008; gnomAD 0.00012; TOPMed 0.00013.
gnomAD v4.1: 274 of 1,614,042 alleles (0.017%); highest among the groups gnomAD compares: Non-Finnish European, 0.021%; no homozygotes.

Submissions (2):

Blueprint Genetics
Classification: Uncertain significance. Last evaluated: 2024-07-01. Review status: criteria provided, single submitter. Criteria: ACMG Guidelines, 2015. Collection method: clinical testing. Allele origin: germline.

Labcorp Genetics (formerly Invitae), Labcorp
Classification: Uncertain significance for H syndrome. Last evaluated: 2022-10-24. Review status: criteria provided, single submitter. Criteria: Invitae Variant Classification Sherloc (09022015). Collection method: clinical testing. Allele origin: germline.
Comment: This sequence change replaces threonine, which is neutral and polar, with methionine, which is neutral and non-polar, at codon 305 of the SLC29A3 protein (p.Thr305Met). This variant is present in population databases (rs201088617, gnomAD 0.008%). This variant has not been reported in the literature in individuals affected with SLC29A3-related conditions. ClinVar contains an entry for this variant (Variation ID: 864492). Advanced modeling of protein sequence and biophysical properties (such as structural, functional, and spatial information, amino acid conservation, physicochemical variation, residue mobility, and thermodynamic stability) performed at Invitae indicates that this missense variant is not expected to disrupt SLC29A3 protein function. In summary, the available evidence is currently insufficient to determine the role of this variant in disease. Therefore, it has been classified as a Variant of Uncertain Significance.

NM_018344.6(SLC29A3):c.914C>T (p.Thr305Met)

Gene: SLC29A3 (solute carrier family 29 member 3; plus strand). Cytogenetic location: 10q22.1.
Variant type: single nucleotide variant.
Coding change: c.914C>T on transcript NM_018344.6 (MANE Select); coding-DNA position 914, C replaced by T.
Protein change: p.Thr305Met; replaces threonine 305 with methionine.
Molecular consequence: missense variant. On other transcripts: 3 prime UTR variant (1), non-coding transcript variant (2).
Genome position (GRCh38, 1-based): chr10:71,362,094, C>T. VCF-style: chr10-71362094-C-T. GRCh37 (hg19) VCF-style: chr10-73121851-C-T.
Other names: c.*143C>T (NM_001174098.2); c.680C>T, p.Thr227Met (NM_001363518.2); short protein forms T227M, T305M.
Identifiers: ClinVar variation 864492 (VCV000864492.6), dbSNP rs201088617, ClinGen allele CA5543085.